The following is an entry in ClinVar:

NM_000135.4(FANCA):c.1354T>C (p.Phe452Leu)

Gene: FANCA (FA complementation group A; minus strand). Cytogenetic location: 16q24.3.
Variant type: single nucleotide variant.
Coding change: c.1354T>C on transcript NM_000135.4 (MANE Select); coding-DNA position 1354, T replaced by C.
Protein change: p.Phe452Leu; replaces phenylalanine 452 with leucine.
Molecular consequence: missense variant.
Genome position (GRCh38, 1-based): chr16:89,791,408, A>G on the plus strand (T>C on the coding strand, the complement: FANCA is on the minus strand). VCF-style: chr16-89791408-A-G. GRCh37 (hg19) VCF-style: chr16-89857816-A-G.
Other names: c.1354T>C, p.Phe452Leu (NM_001286167.3); short protein forms F452L.
Identifiers: ClinVar variation 4870886 (VCV004870886.1).

ClinVar aggregate classification (germline): Uncertain significance (1 of 4 stars; one submission).

Conditions:
Inborn genetic diseases. Identifiers: MedGen C0950123, MeSH D030342.

gnomAD v4.1: 2 of 1,613,900 alleles (0.00012%); highest among the groups gnomAD compares: South Asian, 0.0022%; no homozygotes.

Submission:

Ambry Genetics
Classification: Uncertain significance for Inborn genetic diseases. Last evaluated: 2026-05-22. Review status: criteria provided, single submitter. Criteria: Ambry Variant Classification Scheme 2023. Collection method: clinical testing. Allele origin: germline.
Comment: The p.F452L variant (also known as c.1354T>C), located in coding exon 14 of the FANCA gene, results from a T to C substitution at nucleotide position 1354. The phenylalanine at codon 452 is replaced by leucine, an amino acid with highly similar properties. This amino acid position is conserved. In addition, this alteration is predicted to be deleterious by in silico analysis. Based on the available evidence, the clinical significance of this variant remains unclear.